The following is an entry in ClinVar:

ClinVar aggregate classification (germline): Uncertain significance. Review status: criteria provided, multiple submitters, no conflicts (2 of 4 stars). 3 submissions from 3 submitters: Uncertain significance (3). Last evaluated 2024-05-13.

Conditions:
Inborn genetic diseases. Identifiers: MedGen C0950123, MeSH D030342.

Allele frequency attached by ClinVar (database versions not stated): ExAC 0.00004; gnomAD exomes 0.00004 and 0.00013; gnomAD 0.00006; TOPMed 0.00008; ESP Exome Variant Server 0.00022.
gnomAD v4.1: 188 of 1,552,096 alleles (0.012%); highest among the groups gnomAD compares: Middle Eastern, 0.017%; no homozygotes.

Submissions (3):

Ambry Genetics
Classification: Uncertain significance for Inborn genetic diseases. Last evaluated: 2024-05-13. Review status: criteria provided, single submitter. Criteria: Ambry Variant Classification Scheme 2023. Collection method: clinical testing. Allele origin: germline.

Blueprint Genetics
Classification: Uncertain significance. Last evaluated: 2024-01-05. Review status: criteria provided, single submitter. Criteria: ACMG Guidelines, 2015. Collection method: clinical testing. Allele origin: germline.

Labcorp Genetics (formerly Invitae), Labcorp
Classification: Uncertain significance. Last evaluated: 2022-08-22. Review status: criteria provided, single submitter. Criteria: Invitae Variant Classification Sherloc (09022015). Collection method: clinical testing. Allele origin: germline.
Comment: This sequence change replaces proline, which is neutral and non-polar, with leucine, which is neutral and non-polar, at codon 1831 of the UNC80 protein (p.Pro1831Leu). This variant is present in population databases (rs375408625, gnomAD 0.01%). This variant has not been reported in the literature in individuals affected with UNC80-related conditions. ClinVar contains an entry for this variant (Variation ID: 1408054). Algorithms developed to predict the effect of missense changes on protein structure and function are either unavailable or do not agree on the potential impact of this missense change (SIFT: "Not Available"; PolyPhen-2: "Possibly Damaging"; Align-GVGD: "Not Available"). In summary, the available evidence is currently insufficient to determine the role of this variant in disease. Therefore, it has been classified as a Variant of Uncertain Significance.

NM_001371986.1(UNC80):c.5690C>T (p.Pro1897Leu)

Gene: UNC80 (unc-80 subunit of NALCN channel complex; plus strand). Cytogenetic location: 2q34.
Variant type: single nucleotide variant.
Coding change: c.5690C>T on transcript NM_001371986.1 (MANE Select); coding-DNA position 5690, C replaced by T.
Protein change: p.Pro1897Leu; replaces proline 1897 with leucine.
Molecular consequence: missense variant.
Genome position (GRCh38, 1-based): chr2:209,926,870, C>T. VCF-style: chr2-209926870-C-T. GRCh37 (hg19) VCF-style: chr2-210791594-C-T.
Other names: c.5492C>T, p.Pro1831Leu (NM_032504.2); c.5477C>T, p.Pro1826Leu (NM_182587.4); c.5492C>T (NM_032504.1); short protein forms P1831L, P1826L, P1897L.
Identifiers: ClinVar variation 1408054 (VCV001408054.6), dbSNP rs375408625, ClinGen allele CA2083317.